The following is an entry in ClinVar:

ClinVar aggregate classification (germline): Uncertain significance (1 of 4 stars; one submission).

Conditions:
Familial thoracic aortic aneurysm and aortic dissection (TAAD). Also called: Thoracic aortic aneurysms and dissections. Identifiers: Orphanet 91387, MedGen C4707243, MONDO:0019625.

gnomAD v4.1: 1 of 1,588,522 alleles (0.000063%); highest among the groups gnomAD compares: Non-Finnish European, 0.000086%; no homozygotes.

Submission:

Ambry Genetics
Classification: Uncertain significance for Familial thoracic aortic aneurysm and aortic dissection. Last evaluated: 2024-08-19. Review status: criteria provided, single submitter. Criteria: Ambry Variant Classification Scheme 2023. Collection method: clinical testing. Allele origin: germline.
Comment: The p.S417P variant (also known as c.1249T>C), located in coding exon 7 of the NOTCH1 gene, results from a T to C substitution at nucleotide position 1249. The serine at codon 417 is replaced by proline, an amino acid with similar properties. This amino acid position is conserved. In addition, the in silico prediction for this alteration is inconclusive. Based on the available evidence, the clinical significance of this variant remains unclear.

NM_017617.5(NOTCH1):c.1249T>C (p.Ser417Pro)

Gene: NOTCH1 (notch receptor 1; minus strand). Cytogenetic location: 9q34.3.
Variant type: single nucleotide variant.
Coding change: c.1249T>C on transcript NM_017617.5 (MANE Select); coding-DNA position 1249, T replaced by C.
Protein change: p.Ser417Pro; replaces serine 417 with proline.
Molecular consequence: missense variant.
Genome position (GRCh38, 1-based): chr9:136,518,143, A>G on the plus strand (T>C on the coding strand, the complement: NOTCH1 is on the minus strand). VCF-style: chr9-136518143-A-G. GRCh37 (hg19) VCF-style: chr9-139412595-A-G.
Other names: short protein forms S417P.
Identifiers: ClinVar variation 3406831 (VCV003406831.1).